The following is an entry in ClinVar:

NC_000017.10:g.(?_78183074)_(78194133_?)dup

Genes: CARD14 (caspase recruitment domain family member 14; plus strand), SGSH (N-sulfoglucosamine sulfohydrolase; minus strand). Cytogenetic location: 17q25.3.
Variant type: Duplication.
Identifiers: ClinVar variation 4853272 (VCV004853272.1).

ClinVar aggregate classification (germline): Uncertain significance (1 of 4 stars; one submission).

Submission:

Women's Health and Genetics/Laboratory Corporation of America, LabCorp
Classification: Uncertain significance. Last evaluated: 2026-05-12. Review status: criteria provided, single submitter. Criteria: LabCorp Variant Classification Summary - May 2015. Collection method: clinical testing. Allele origin: germline.
Comment: Variant summary: The variant involves the duplication of exons 1-8 in the SGSH gene. A presumed nomenclature of c.(?_-21)_(*1177_?)dup has been designated for the purposes of this classification. This duplication includes the entire coding sequence of the gene. As exact breakpoints are unknown, it may extend beyond the annotated region of the gene, to include other flanking genes. The variant was absent in 21694 control chromosomes. The available data on variant occurrences in the general population are insufficient to allow any conclusion about variant significance. To our knowledge, no occurrence of c.(?_-21)_(*1177_?)dup in individuals affected with SGSH-related conditions and no experimental evidence demonstrating its impact on protein function have been reported. No submitters have cited clinical-significance assessments for this variant to ClinVar. Based on the evidence outlined above, the variant was classified as uncertain significance.